The following is an entry in ClinVar:

NM_001009944.3(PKD1):c.12247T>C (p.Ser4083Pro)

Gene: PKD1 (polycystin 1, transient receptor potential channel interacting; minus strand). Cytogenetic location: 16p13.3.
Variant type: single nucleotide variant.
Coding change: c.12247T>C on transcript NM_001009944.3 (MANE Select); coding-DNA position 12247, T replaced by C.
Protein change: p.Ser4083Pro; replaces serine 4083 with proline.
Molecular consequence: missense variant.
Genome position (GRCh38, 1-based): chr16:2,090,482, A>G on the plus strand (T>C on the coding strand, the complement: PKD1 is on the minus strand). VCF-style: chr16-2090482-A-G. GRCh37 (hg19) VCF-style: chr16-2140483-A-G.
Other names: c.12244T>C, p.Ser4082Pro (NM_000296.4); short protein forms S4082P, S4083P.
Identifiers: ClinVar variation 4852373 (VCV004852373.1).
Genomic context (GRCh38, chr16:2,090,482, plus strand): 5'-CCCCCAGCCGTAGGGCGCCCCACAGCCGCAGTGCCCAGAGCCCCACACACAGCAGGGGTG[A>G]CAGGTGCCAGGACTCGGCAGGACACAGGGTAGAGAGCCCAGTCCCAGGGCACAGCACCAA-3'
Protein context (NP_001009944.3, residues 4073-4093): TLCPAESWHL[Ser4083Pro]PLLCVGLWAL

ClinVar aggregate classification (germline): Uncertain significance (1 of 4 stars; one submission).

Conditions:
Polycystic kidney disease, adult type (PKD1). Also called: Polycystic Kidney, Autosomal Dominant; POLYCYSTIC KIDNEY DISEASE, ADULT, TYPE I; Polycystic Kidney Disease 1, Autosomal Dominant; Polycystic kidney disease 1; Polycystic kidney disease 1, severe; POLYCYSTIC KIDNEY DISEASE 1 WITH OR WITHOUT POLYCYSTIC LIVER DISEASE. Identifiers: MedGen C3149841, MONDO:0008263, OMIM 173900.

gnomAD v4.1: 4 of 1,612,154 alleles (0.00025%); highest among the groups gnomAD compares: Non-Finnish European, 0.00034%; no homozygotes.

Submission:

MVZ Medizinische Genetik Mainz
Classification: Uncertain significance for Polycystic kidney disease, adult type. Last evaluated: 2026-04-15. Review status: criteria provided, single submitter. Criteria: UK Practice Guidelines For Variant Classification V4 01 2020. Collection method: clinical testing. Allele origin: germline. Inheritance: Autosomal dominant inheritance. Affected: yes. Observed: 1 variant allele.
Comment: ACMG Criteria: PM2_SUP,PP4